The following is an entry in ClinVar:

NM_000256.3(MYBPC3):c.2995-8C>T

Gene: MYBPC3 (myosin binding protein C3; minus strand). Cytogenetic location: 11p11.2.
Variant type: single nucleotide variant.
Coding change: c.2995-8C>T on transcript NM_000256.3 (MANE Select); 8 bases into the intron before coding-DNA position 2995, C replaced by T.
Molecular consequence: intron variant.
Genome position (GRCh38, 1-based): chr11:47,333,760, G>A on the plus strand (C>T on the coding strand, the complement: MYBPC3 is on the minus strand). VCF-style: chr11-47333760-G-A. GRCh37 (hg19) VCF-style: chr11-47355311-G-A.
Identifiers: ClinVar variation 3022022 (VCV003022022.4), dbSNP rs2095879743, ClinGen allele CA1969335988.

ClinVar aggregate classification (germline): Likely benign. Review status: criteria provided, multiple submitters, no conflicts (2 of 4 stars). 2 submissions from 2 submitters: Likely benign (2). Last evaluated 2025-12-09.

Conditions:
Hypertrophic cardiomyopathy. Also called: HYPERTROPHIC MYOCARDIOPATHY. Identifiers: Orphanet 217569, MedGen C0007194, MeSH D002312, MONDO:0005045, HP:0001639.

Allele frequency attached by ClinVar (database versions not stated): gnomAD exomes below 0.00001.
gnomAD v4.1: 2 of 1,586,374 alleles (0.00013%); highest among the groups gnomAD compares: Non-Finnish European, 0.00017%; no homozygotes.

Submissions (2):

Labcorp Genetics (formerly Invitae), Labcorp
Classification: Likely benign for Hypertrophic cardiomyopathy. Last evaluated: 2025-12-09. Review status: criteria provided, single submitter. Criteria: Invitae Variant Classification Sherloc (09022015). Collection method: clinical testing. Allele origin: germline.

All of Us Research Program, National Institutes of Health
Classification: Likely benign for Hypertrophic cardiomyopathy. Last evaluated: 2023-03-23. Review status: criteria provided, single submitter. Criteria: ACMG Guidelines, 2015. Collection method: clinical testing. Allele origin: germline. Inheritance: Autosomal dominant inheritance. Observed: 1 variant allele, 1 heterozygote.
Comment: This study involves interpretation of variants in research participants for the purpose of population health screening. Participant phenotype was not available at the time of variant classification. Additional details can be found in publication PMID: 35346344, PMCID: PMC8962531